The following is an entry in ClinVar:

ClinVar aggregate classification (germline): Uncertain significance (1 of 4 stars; one submission).

Conditions:
Inborn genetic diseases. Identifiers: MedGen C0950123, MeSH D030342.

Submission:

Ambry Genetics
Classification: Uncertain significance for Inborn genetic diseases. Last evaluated: 2025-04-06. Review status: criteria provided, single submitter. Criteria: Ambry Variant Classification Scheme 2023. Collection method: clinical testing. Allele origin: germline.
Comment: The p.S372P variant (also known as c.1114T>C), located in coding exon 1 of the SAMD9L gene, results from a T to C substitution at nucleotide position 1114. The serine at codon 372 is replaced by proline, an amino acid with similar properties. This amino acid position is conserved. In addition, this alteration is predicted to be tolerated by in silico analysis. Based on the available evidence, the clinical significance of this variant remains unclear.

NM_152703.5(SAMD9L):c.1114T>C (p.Ser372Pro)

Gene: SAMD9L (sterile alpha motif domain containing 9 like; minus strand). Cytogenetic location: 7q21.2.
Variant type: single nucleotide variant.
Coding change: c.1114T>C on transcript NM_152703.5 (MANE Select); coding-DNA position 1114, T replaced by C.
Protein change: p.Ser372Pro; replaces serine 372 with proline.
Molecular consequence: missense variant.
Genome position (GRCh38, 1-based): chr7:93,134,858, A>G on the plus strand (T>C on the coding strand, the complement: SAMD9L is on the minus strand). VCF-style: chr7-93134858-A-G. GRCh37 (hg19) VCF-style: chr7-92764171-A-G.
Other names: c.1114T>C, p.Ser372Pro (NM_001303496.3, NM_001303497.3, NM_001303498.3 and 5 more transcripts); short protein forms S372P.
Identifiers: ClinVar variation 3949811 (VCV003949811.1).